The following is an entry in ClinVar:

NM_024494.3(WNT2B):c.760G>A (p.Ala254Thr)

Gene: WNT2B (Wnt family member 2B; plus strand). Cytogenetic location: 1p13.2.
Variant type: single nucleotide variant.
Coding change: c.760G>A on transcript NM_024494.3 (MANE Select); coding-DNA position 760, G replaced by A.
Protein change: p.Ala254Thr; replaces alanine 254 with threonine.
Molecular consequence: missense variant.
Genome position (GRCh38, 1-based): chr1:112,517,199, G>A. VCF-style: chr1-112517199-G-A. GRCh37 (hg19) VCF-style: chr1-113059821-G-A.
Other names: c.484G>A, p.Ala162Thr (NM_001291880.1); c.703G>A, p.Ala235Thr (NM_004185.4); short protein forms A235T, A162T, A254T.
Identifiers: ClinVar variation 2113841 (VCV002113841.4), dbSNP rs2526506363, ClinGen allele CA341654612.

ClinVar aggregate classification (germline): Uncertain significance (1 of 4 stars; one submission).

Submission:

Labcorp Genetics (formerly Invitae), Labcorp
Classification: Uncertain significance. Last evaluated: 2022-03-18. Review status: criteria provided, single submitter. Criteria: Invitae Variant Classification Sherloc (09022015). Collection method: clinical testing. Allele origin: germline.
Comment: This variant has not been reported in the literature in individuals affected with WNT2B-related conditions. This sequence change replaces alanine, which is neutral and non-polar, with threonine, which is neutral and polar, at codon 254 of the WNT2B protein (p.Ala254Thr). This variant is not present in population databases (gnomAD no frequency). Algorithms developed to predict the effect of missense changes on protein structure and function (SIFT, PolyPhen-2, Align-GVGD) all suggest that this variant is likely to be disruptive. In summary, the available evidence is currently insufficient to determine the role of this variant in disease. Therefore, it has been classified as a Variant of Uncertain Significance.